The following is an entry in ClinVar:

ClinVar aggregate classification (germline): Uncertain significance (0 of 4 stars; one submission).

Submission:

Department of Pathology and Laboratory Medicine, Sinai Health System
Classification: Uncertain significance. Review status: no assertion criteria provided. Collection method: clinical testing. Allele origin: unknown. Affected: yes. Study: The Canadian Open Genetics Repository (COGR).
Comment: The CDH23 p.Leu236Met variant was not identified in the literature nor was it identified in dbSNP, ClinVar, LOVD 3.0 or in the following control databases: the 1000 Genomes Project, the NHLBI GO Exome Sequencing Project, or the Genome Aggregation Database (March 6, 2019, v2.1.1). The p.Leu236 residue is conserved in mammals but not in more distantly related organisms however four out of five computational analyses (PolyPhen-2, SIFT, AlignGVGD, BLOSUM, MutationTaster) do not suggest a high likelihood of impact to the protein; this information is not predictive enough to rule out pathogenicity. The variant occurs outside of the splicing consensus sequence and in silico or computational prediction software programs (SpliceSiteFinder, MaxEntScan, NNSPLICE, GeneSplicer) do not predict a difference in splicing. In summary, based on the above information the clinical significance of this variant cannot be determined with certainty at this time. This variant is classified as a variant of uncertain significance.

NM_022124.6(CDH23):c.7426T>A (p.Leu2476Met)

Gene: CDH23 (cadherin related 23; plus strand). Cytogenetic location: 10q22.1.
Variant type: single nucleotide variant.
Coding change: c.7426T>A on transcript NM_022124.6 (MANE Select); coding-DNA position 7426, T replaced by A.
Protein change: p.Leu2476Met; replaces leucine 2476 with methionine.
Molecular consequence: missense variant.
Genome position (GRCh38, 1-based): chr10:71,800,699, T>A. VCF-style: chr10-71800699-T-A. GRCh37 (hg19) VCF-style: chr10-73560456-T-A.
Other names: c.706T>A, p.Leu236Met (NM_001171933.1, NM_001171934.1); short protein forms L236M, L2476M.
Identifiers: ClinVar variation 1049408 (VCV001049408.1), dbSNP rs2132971570, ClinGen allele CA377159933.
Genomic context (GRCh38, chr10:71,800,699, plus strand): 5'-GACATCTATGTGCTGTCTTCTCTGGACCGGGAGAAGAAGGACCACTATATCCTGACTGCC[T>A]TGGCCAAAGACAACCCTGGGGATGTAGCCAGCAACCGTCGCGAAAATTCAGTGCAGGTGA-3'
Protein context (NP_071407.4, residues 2466-2486): EKKDHYILTA[Leu2476Met]AKDNPGDVAS